The following is an entry in ClinVar:

NM_001145196.1(SPATA31A6):c.2907A>T (p.Thr969=)

Gene: SPATA31A6 (SPATA31 subfamily A member 6; plus strand). Cytogenetic location: 9p11.2.
Variant type: single nucleotide variant.
Coding change: c.2907A>T on transcript NM_001145196.1 (MANE Select); coding-DNA position 2907, A replaced by T.
Protein change: p.Thr969=; no amino-acid change (threonine 969 retained).
Molecular consequence: synonymous variant.
Genome position (GRCh38, 1-based): chr9:42,188,609, A>T. VCF-style: chr9-42188609-A-T. GRCh37 (hg19) VCF-style: chr9-43625780-T-A.
Identifiers: ClinVar variation 5038818 (VCV005038818.1).

ClinVar aggregate classification (germline): Likely benign (1 of 4 stars; one submission).

Submission:

CeGaT Center for Human Genetics Tuebingen
Classification: Likely benign. Last evaluated: 2026-07-01. Review status: criteria provided, single submitter. Criteria: CeGaT Center For Human Genetics Tuebingen Variant Classification Criteria Version 2. Collection method: clinical testing. Allele origin: germline. Affected: yes. Observed: 1 variant allele.
Comment: SPATA31A6: PM2:Supporting, BP4, BP7